The following is an entry in ClinVar:

NM_000363.5(TNNI3):c.12-2A>G

Gene: TNNI3 (troponin I3, cardiac type; minus strand). Cytogenetic location: 19q13.42.
Variant type: single nucleotide variant.
Coding change: c.12-2A>G on transcript NM_000363.5 (MANE Select); the canonical splice acceptor site of the intron before coding-DNA position 12, A replaced by G.
Molecular consequence: splice acceptor variant.
Genome position (GRCh38, 1-based): chr19:55,157,310, T>C on the plus strand (A>G on the coding strand, the complement: TNNI3 is on the minus strand). VCF-style: chr19-55157310-T-C. GRCh37 (hg19) VCF-style: chr19-55668678-T-C.
Identifiers: ClinVar variation 1990531 (VCV001990531.4), dbSNP rs2515504362, ClinGen allele CA407443432.

ClinVar aggregate classification (germline): Likely pathogenic (1 of 4 stars; one submission).

Conditions:
Hypertrophic cardiomyopathy. Also called: HYPERTROPHIC MYOCARDIOPATHY. Identifiers: Orphanet 217569, MedGen C0007194, MeSH D002312, MONDO:0005045, HP:0001639.

Submission:

Labcorp Genetics (formerly Invitae), Labcorp
Classification: Likely pathogenic for Hypertrophic cardiomyopathy. Last evaluated: 2024-04-22. Review status: criteria provided, single submitter. Criteria: Invitae Variant Classification Sherloc (09022015). Collection method: clinical testing. Allele origin: germline.
Comment: This sequence change affects an acceptor splice site in intron 1 of the TNNI3 gene. It is expected to disrupt RNA splicing. Variants that disrupt the donor or acceptor splice site typically lead to a loss of protein function (PMID: 16199547), and loss-of-function variants in TNNI3 are known to be pathogenic (PMID: 31568572, 34036930, 35838873). This variant is not present in population databases (gnomAD no frequency). This variant has not been reported in the literature in individuals affected with TNNI3-related conditions. ClinVar contains an entry for this variant (Variation ID: 1990531). Algorithms developed to predict the effect of sequence changes on RNA splicing suggest that this variant may disrupt the consensus splice site. In summary, the currently available evidence indicates that the variant is pathogenic, but additional data are needed to prove that conclusively. Therefore, this variant has been classified as Likely Pathogenic.

Literature cited by the submitters: PubMed 16199547; PubMed 31568572; PubMed 34036930; PubMed 35838873.